The following is an entry in ClinVar:

ClinVar aggregate classification (germline): Uncertain significance (1 of 4 stars; one submission).

Conditions:
T-cell immunodeficiency, congenital alopecia, and nail dystrophy. Also called: Congenital alopecia and nail dystrophy associated with severe functional T-cell immunodeficiency; Pignata Guarino syndrome. Identifiers: Orphanet 169095, MedGen C1866426, MONDO:0011132, OMIM 601705.

Submission:

Labcorp Genetics (formerly Invitae), Labcorp
Classification: Uncertain significance for T-cell immunodeficiency, congenital alopecia, and nail dystrophy. Last evaluated: 2021-01-11. Review status: criteria provided, single submitter. Criteria: Invitae Variant Classification Sherloc (09022015). Collection method: clinical testing. Allele origin: germline.
Comment: In summary, the available evidence is currently insufficient to determine the role of this variant in disease. Therefore, it has been classified as a Variant of Uncertain Significance. Algorithms developed to predict the effect of missense changes on protein structure and function (SIFT, PolyPhen-2, Align-GVGD) all suggest that this variant is likely to be disruptive, but these predictions have not been confirmed by published functional studies and their clinical significance is uncertain. This variant has not been reported in the literature in individuals with FOXN1-related conditions. This variant is not present in population databases (ExAC no frequency). This sequence change replaces proline with threonine at codon 272 of the FOXN1 protein (p.Pro272Thr). The proline residue is highly conserved and there is a small physicochemical difference between proline and threonine.

NM_001369369.1(FOXN1):c.814C>A (p.Pro272Thr)

Gene: FOXN1 (forkhead box N1; plus strand). Cytogenetic location: 17q11.2.
Variant type: single nucleotide variant.
Coding change: c.814C>A on transcript NM_001369369.1 (MANE Select); coding-DNA position 814, C replaced by A.
Protein change: p.Pro272Thr; replaces proline 272 with threonine.
Molecular consequence: missense variant.
Genome position (GRCh38, 1-based): chr17:28,529,208, C>A. VCF-style: chr17-28529208-C-A. GRCh37 (hg19) VCF-style: chr17-26856226-C-A.
Other names: c.814C>A, p.Pro272Thr (NM_003593.3); short protein forms P272T.
Identifiers: ClinVar variation 1496514 (VCV001496514.8), dbSNP rs2151492067, ClinGen allele CA398323326.